The following is an entry in ClinVar:

NM_005068.3(SIM1):c.800A>T (p.His267Leu)

Gene: SIM1 (SIM bHLH transcription factor 1; minus strand). Cytogenetic location: 6q16.3.
Variant type: single nucleotide variant.
Coding change: c.800A>T on transcript NM_005068.3 (MANE Select); coding-DNA position 800, A replaced by T.
Protein change: p.His267Leu; replaces histidine 267 with leucine.
Molecular consequence: missense variant.
Genome position (GRCh38, 1-based): chr6:100,448,196, T>A on the plus strand (A>T on the coding strand, the complement: SIM1 is on the minus strand). VCF-style: chr6-100448196-T-A. GRCh37 (hg19) VCF-style: chr6-100896072-T-A.
Other names: c.800A>T, p.His267Leu (NM_001374769.1); short protein forms H267L.
Identifiers: ClinVar variation 2497765 (VCV002497765.1), dbSNP rs1175710089, ClinGen allele CA365123563.

ClinVar aggregate classification (germline): Uncertain significance (1 of 4 stars; one submission).

gnomAD v4.1: 11 of 1,613,964 alleles (0.00068%); highest among the groups gnomAD compares: Non-Finnish European, 0.00093%; no homozygotes.

Submission:

GeneDx
Classification: Uncertain significance. Last evaluated: 2022-10-09. Review status: criteria provided, single submitter. Criteria: GeneDx Variant Classification Process June 2021. Collection method: clinical testing. Allele origin: germline. Affected: yes.
Comment: Not observed at significant frequency in large population cohorts (gnomAD); In silico analysis supports that this missense variant has a deleterious effect on protein structure/function; Has not been previously published as pathogenic or benign to our knowledge